The following is an entry in ClinVar:

NM_198428.3(BBS9):c.60T>A (p.Phe20Leu)

Gene: BBS9 (Bardet-Biedl syndrome 9; plus strand). Cytogenetic location: 7p14.3.
Variant type: single nucleotide variant.
Coding change: c.60T>A on transcript NM_198428.3 (MANE Select); coding-DNA position 60, T replaced by A.
Protein change: p.Phe20Leu; replaces phenylalanine 20 with leucine.
Molecular consequence: missense variant. On other transcripts: 5 prime UTR variant (3), non-coding transcript variant (3), intron variant (4).
Genome position (GRCh38, 1-based): chr7:33,146,312, T>A. VCF-style: chr7-33146312-T-A. GRCh37 (hg19) VCF-style: chr7-33185924-T-A.
Other names: c.60T>A (NM_198428.2); c.60T>A, p.Phe20Leu (NM_001033604.2, NM_001033605.2, NM_001348036.1 and 7 more transcripts); c.-242T>A (NM_001348037.3); c.-218T>A (NM_001348038.3, NM_001348039.3); c.-23-6389T>A (NM_001348042.3); c.-189-6389T>A (NM_001348045.3); c.-39+16271T>A (NM_001348046.3, NM_001348044.3); short protein forms F20L.
Identifiers: ClinVar variation 2188437 (VCV002188437.5), dbSNP rs1434724719, ClinGen allele CA367189341.

ClinVar aggregate classification (germline): Uncertain significance. Review status: criteria provided, single submitter (1 of 4 stars). 2 submissions from 2 submitters: Uncertain significance (1). 1 of the submissions does not count toward it. Last evaluated 2022-07-05.

Conditions:
BBS9-related disorder. Also called: BBS9-related condition.
Bardet-Biedl syndrome (BBS). Identifiers: Orphanet 110, MedGen C0752166, MONDO:0015229.

Allele frequency attached by ClinVar (database versions not stated): gnomAD exomes 0.00001.
gnomAD v4.1: 3 of 1,614,178 alleles (0.00019%); highest among the groups gnomAD compares: Admixed American, 0.005%; no homozygotes.

Submissions (2):

Labcorp Genetics (formerly Invitae), Labcorp
Classification: Uncertain significance for Bardet-Biedl syndrome. Last evaluated: 2022-07-05. Review status: criteria provided, single submitter. Criteria: Invitae Variant Classification Sherloc (09022015). Collection method: clinical testing. Allele origin: germline.
Comment: In summary, the available evidence is currently insufficient to determine the role of this variant in disease. Therefore, it has been classified as a Variant of Uncertain Significance. Algorithms developed to predict the effect of sequence changes on RNA splicing suggest that this variant may disrupt the consensus splice site. Algorithms developed to predict the effect of missense changes on protein structure and function are either unavailable or do not agree on the potential impact of this missense change (SIFT: "Deleterious"; PolyPhen-2: "Possibly Damaging"; Align-GVGD: "Class C15"). This variant has not been reported in the literature in individuals affected with BBS9-related conditions. This variant is present in population databases (no rsID available, gnomAD 0.006%). This sequence change replaces phenylalanine, which is neutral and non-polar, with leucine, which is neutral and non-polar, at codon 20 of the BBS9 protein (p.Phe20Leu).

PreventionGenetics, part of Exact Sciences
Classification: Uncertain significance for BBS9-related condition. Last evaluated: 2024-01-24. Review status: no assertion criteria provided. Collection method: clinical testing. Allele origin: germline. Not counted in ClinVar's aggregate classification.
Comment: The BBS9 c.60T>A variant is predicted to result in the amino acid substitution p.Phe20Leu. To our knowledge, this variant has not been reported in the literature. This variant is reported in 0.0058% of alleles in individuals of Latino descent in gnomAD. At this time, the clinical significance of this variant is uncertain due to the absence of conclusive functional and genetic evidence.